The following is an entry in ClinVar:

NM_001364716.4(MPRIP):c.4032C>T (p.Ser1344=)

Gene: MPRIP (myosin phosphatase Rho interacting protein; plus strand). Cytogenetic location: 17p11.2.
Variant type: single nucleotide variant.
Coding change: c.4032C>T on transcript NM_001364716.4 (MANE Select); coding-DNA position 4032, C replaced by T.
Protein change: p.Ser1344=; no amino-acid change (serine 1344 retained).
Molecular consequence: synonymous variant. On other transcripts: intron variant (2).
Genome position (GRCh38, 1-based): chr17:17,165,623, C>T. VCF-style: chr17-17165623-C-T. GRCh37 (hg19) VCF-style: chr17-17068937-C-T.
Other names: c.2163+4267C>T (NM_201274.4, NM_015134.4).
Identifiers: ClinVar variation 2647515 (VCV002647515.24), dbSNP rs200227865, ClinGen allele CA8415129.

ClinVar aggregate classification (germline): Likely benign (1 of 4 stars; one submission).

Allele frequency attached by ClinVar (database versions not stated): 1000 Genomes Project 30x 0.00031; 1000 Genomes Project 0.00040; ExAC 0.00382; gnomAD 0.00426; TOPMed 0.00440; gnomAD exomes 0.00665.
gnomAD v4.1: 8,374 of 1,304,928 alleles (0.64%); highest among the groups gnomAD compares: Middle Eastern, 1.4%; 36 homozygotes.

Submission:

CeGaT Center for Human Genetics Tuebingen
Classification: Likely benign. Last evaluated: 2022-05-01. Review status: criteria provided, single submitter. Criteria: CeGaT Center For Human Genetics Tuebingen Variant Classification Criteria Version 2. Collection method: clinical testing. Allele origin: germline. Affected: yes. Observed: 1 variant allele.
Comment: MPRIP: BP4, BP7